The following is an entry in ClinVar:

ClinVar aggregate classification (germline): Uncertain significance. Review status: criteria provided, multiple submitters, no conflicts (2 of 4 stars). 2 submissions from 2 submitters: Uncertain significance (2). Last evaluated 2024-05-07.

Allele frequency attached by ClinVar (database versions not stated): TOPMed below 0.00001; gnomAD 0.00001; gnomAD exomes 0.00001.

Submissions (2):

Ambry Genetics
Classification: Uncertain significance. Last evaluated: 2024-05-07. Review status: criteria provided, single submitter. Criteria: Ambry Variant Classification Scheme 2023. Collection method: clinical testing. Allele origin: germline.

Labcorp Genetics (formerly Invitae), Labcorp
Classification: Uncertain significance. Last evaluated: 2022-03-13. Review status: criteria provided, single submitter. Criteria: Invitae Variant Classification Sherloc (09022015). Collection method: clinical testing. Allele origin: germline.
Comment: This sequence change replaces glycine, which is neutral and non-polar, with glutamic acid, which is acidic and polar, at codon 66 of the HJV protein (p.Gly66Glu). The frequency data for this variant in the population databases is considered unreliable, as metrics indicate poor data quality at this position in the gnomAD database. This variant has not been reported in the literature in individuals affected with HJV-related conditions. Algorithms developed to predict the effect of missense changes on protein structure and function are either unavailable or do not agree on the potential impact of this missense change (SIFT: "Deleterious"; PolyPhen-2: "Probably Damaging"; Align-GVGD: "Class C0"). In summary, the available evidence is currently insufficient to determine the role of this variant in disease. Therefore, it has been classified as a Variant of Uncertain Significance.

NM_213653.4(HJV):c.197G>A (p.Gly66Glu)

Gene: HJV (hemojuvelin BMP co-receptor; minus strand). Cytogenetic location: 1q21.1.
Variant type: single nucleotide variant.
Coding change: c.197G>A on transcript NM_213653.4 (MANE Select); coding-DNA position 197, G replaced by A.
Protein change: p.Gly66Glu; replaces glycine 66 with glutamic acid.
Molecular consequence: missense variant. On other transcripts: 5 prime UTR variant (1), intron variant (3).
Genome position (GRCh38, 1-based): chr1:146,019,635, C>T on the plus strand (G>A on the coding strand, the complement: HJV is on the minus strand). VCF-style: chr1-146019635-C-T. GRCh37 (hg19) VCF-style: chr1-145415378-G-A.
Other names: c.197G>A, p.Gly66Glu (NM_001379352.1); c.-143G>A (NM_145277.5); c.-21-935G>A (NM_213652.4); c.-22+63G>A (NM_202004.4, NM_001316767.2); c.197G>A (NM_213653.3); short protein forms G66E.
Identifiers: ClinVar variation 2041931 (VCV002041931.2), dbSNP rs1195704136, ClinGen allele CA342143482.